The following is an entry in ClinVar:

ClinVar aggregate classification (germline): Pathogenic (1 of 4 stars; one submission).

Conditions:
Hereditary spastic paraplegia 7 (SPG7). Also called: Autosomal recessive spastic paraplegia type 7; SPG7-related neurologic disorder; SPASTIC PARAPLEGIA 7, AUTOSOMAL RECESSIVE, WITH OR WITHOUT CEREBELLAR ATAXIA; Spastic paraplegia 7; Hereditary spastic paraplegia Paraplegin type. Identifiers: Orphanet 99013, MedGen C1846564, MONDO:0011803, OMIM 607259.

Submission:

Labcorp Genetics (formerly Invitae), Labcorp
Classification: Pathogenic for Hereditary spastic paraplegia 7. Last evaluated: 2023-11-22. Review status: criteria provided, single submitter. Criteria: Invitae Variant Classification Sherloc (09022015). Collection method: clinical testing. Allele origin: germline.
Comment: This variant is a gross deletion of the genomic region encompassing exon(s) 1-3 of the SPG7 gene, which includes the initiator codon. This deletion extends beyond the assayed region for this gene and therefore may encompass additional genes. It is expected to result in an absent or disrupted protein product. Loss-of-function variants in SPG7 are known to be pathogenic (PMID: 21623769, 22964162). This variant has not been reported in the literature in individuals affected with SPG7-related conditions. For these reasons, this variant has been classified as Pathogenic.

Literature cited by the submitters: PubMed 21623769; PubMed 22964162.

NC_000016.9:g.(?_89574826)_(89579465_?)del

Gene: SPG7 (SPG7 matrix AAA peptidase subunit, paraplegin; plus strand). Cytogenetic location: 16q24.3.
Variant type: Deletion.
Identifiers: ClinVar variation 1459932 (VCV001459932.5).